The following is an entry in ClinVar:

ClinVar aggregate classification (germline): Likely pathogenic (1 of 4 stars; one submission).

Conditions:
Retinitis pigmentosa 2 (RP2). Also called: Retinitis pigmentosa 2, X linked. Identifiers: Orphanet 791, MedGen C2681923, MONDO:0010723, OMIM 312600.

Submission:

Ocular Genomics Institute, Massachusetts Eye and Ear
Classification: Likely pathogenic for Retinitis pigmentosa 2. Last evaluated: 2021-04-08. Review status: criteria provided, single submitter. Criteria: ACMG Guidelines, 2015. Collection method: research. Allele origin: germline. Affected: yes.
Comment: Through a review of available evidence we were able to apply the following criteria: PVS1, PM2. Based on this evidence we have classified this variant as Likely Pathogenic.

NM_006915.3(RP2):c.103-2A>G

Gene: RP2 (RP2 activator of ARL3 GTPase; plus strand). Cytogenetic location: Xp11.3.
Variant type: single nucleotide variant.
Coding change: c.103-2A>G on transcript NM_006915.3 (MANE Select); the canonical splice acceptor site of the intron before coding-DNA position 103, A replaced by G.
Molecular consequence: splice acceptor variant.
Genome position (GRCh38, 1-based): chrX:46,853,474, A>G. VCF-style: chrX-46853474-A-G. GRCh37 (hg19) VCF-style: chrX-46712909-A-G.
Identifiers: ClinVar variation 1065686 (VCV001065686.1), dbSNP rs2147081133, ClinGen allele CA413038777.